The following is an entry in ClinVar:

ClinVar aggregate classification (germline): Uncertain significance. Review status: criteria provided, multiple submitters, no conflicts (2 of 4 stars). 3 submissions from 3 submitters: Uncertain significance (3). Last evaluated 2026-01-31.

Conditions:
Baller-Gerold syndrome (BGS). Also called: CRANIOSYNOSTOSIS WITH RADIAL DEFECTS. Identifiers: Orphanet 1225, MedGen C0265308, MONDO:0009039, OMIM 218600.
Rapadilino syndrome. Identifiers: Orphanet 3021, MedGen C1849453, MONDO:0009955, OMIM 266280.
Rothmund-Thomson syndrome type 2 (RTS2). Identifiers: Orphanet 221016, MedGen C5203410, MONDO:0016369, OMIM 268400.

Allele frequency attached by ClinVar (database versions not stated): ExAC 0.00017; gnomAD 0.00009 and 0.00011; TOPMed 0.00010; gnomAD exomes 0.00012 and 0.00013.

Submissions (3):

Labcorp Genetics (formerly Invitae), Labcorp
Classification: Uncertain significance for Baller-Gerold syndrome. Last evaluated: 2026-01-31. Review status: criteria provided, single submitter. Criteria: Invitae Variant Classification Sherloc (09022015). Collection method: clinical testing. Allele origin: germline.
Comment: This sequence change replaces glycine, which is neutral and non-polar, with arginine, which is basic and polar, at codon 809 of the RECQL4 protein (p.Gly809Arg). This variant is present in population databases (rs769977498, gnomAD 0.03%). This variant has not been reported in the literature in individuals affected with RECQL4-related conditions. ClinVar contains an entry for this variant (Variation ID: 407004). Invitae Evidence Modeling of protein sequence and biophysical properties (such as structural, functional, and spatial information, amino acid conservation, physicochemical variation, residue mobility, and thermodynamic stability) indicates that this missense variant is not expected to disrupt RECQL4 protein function with a negative predictive value of 80%. In summary, the available evidence is currently insufficient to determine the role of this variant in disease. Therefore, it has been classified as a Variant of Uncertain Significance.

Fulgent Genetics
Classification: Uncertain significance for Baller-Gerold syndrome; Rapadilino syndrome; Rothmund-Thomson syndrome type 2. Last evaluated: 2021-12-28. Review status: criteria provided, single submitter. Criteria: ACMG Guidelines, 2015. Collection method: clinical testing. Allele origin: unknown.

Institute for Clinical Genetics, University Hospital TU Dresden, University Hospital TU Dresden
Classification: Uncertain significance. Last evaluated: 2021-11-03. Review status: criteria provided, single submitter. Criteria: ACMG Guidelines, 2015. Collection method: clinical testing. Allele origin: germline.

NM_004260.4(RECQL4):c.2425G>A (p.Gly809Arg)

Gene: RECQL4 (RecQ like helicase 4; minus strand). Cytogenetic location: 8q24.3.
Variant type: single nucleotide variant.
Coding change: c.2425G>A on transcript NM_004260.4 (MANE Select); coding-DNA position 2425, G replaced by A.
Protein change: p.Gly809Arg; replaces glycine 809 with arginine.
Molecular consequence: missense variant.
Genome position (GRCh38, 1-based): chr8:144,513,256, C>T on the plus strand (G>A on the coding strand, the complement: RECQL4 is on the minus strand). VCF-style: chr8-144513256-C-T. GRCh37 (hg19) VCF-style: chr8-145738639-C-T.
Other names: short protein forms G809R.
Identifiers: ClinVar variation 407004 (VCV000407004.12), dbSNP rs769977498, ClinGen allele CA4948297.